The following is an entry in ClinVar:

ClinVar aggregate classification (germline): Uncertain significance (1 of 4 stars; one submission).

Submission:

GeneDx
Classification: Uncertain significance. Last evaluated: 2024-09-12. Review status: criteria provided, single submitter. Criteria: GeneDx Variant Classification Process June 2021. Collection method: clinical testing. Allele origin: germline. Affected: yes.
Comment: Not observed at significant frequency in large population cohorts (gnomAD); In silico analysis indicates that this missense variant does not alter protein structure/function; Has not been previously published as pathogenic or benign to our knowledge

NM_018109.4(MTPAP):c.1294C>A (p.Gln432Lys)

Gene: MTPAP (mitochondrial poly(A) polymerase; minus strand). Cytogenetic location: 10p11.23.
Variant type: single nucleotide variant.
Coding change: c.1294C>A on transcript NM_018109.4 (MANE Select); coding-DNA position 1294, C replaced by A.
Protein change: p.Gln432Lys; replaces glutamine 432 with lysine.
Molecular consequence: missense variant.
Genome position (GRCh38, 1-based): chr10:30,316,136, G>T on the plus strand (C>A on the coding strand, the complement: MTPAP is on the minus strand). VCF-style: chr10-30316136-G-T. GRCh37 (hg19) VCF-style: chr10-30605065-G-T.
Other names: short protein forms Q432K.
Identifiers: ClinVar variation 3769984 (VCV003769984.1).
Genomic context (GRCh38, chr10:30,316,136, plus strand): 5'-GTTTCAATCCAGAAAGGATCAAGTAAACAGAAAGACACTTACCTAATGTTTCTGTGTTCT[G>T]TGAAGGTTTAATTCTACTCAAGTCACGAACAAATGTGCAGTTGTTGCCTTCTATTACACA-3'
Protein context (NP_060579.3, residues 422-442): VRDLSRIKPS[Gln432Lys]NTETLELLLK